The following is an entry in ClinVar:

NM_000238.4(KCNH2):c.55A>T (p.Ile19Phe)

Gene: KCNH2 (potassium voltage-gated channel subfamily H member 2; minus strand). Cytogenetic location: 7q36.1.
Variant type: single nucleotide variant.
Coding change: c.55A>T on transcript NM_000238.4 (MANE Select); coding-DNA position 55, A replaced by T.
Protein change: p.Ile19Phe; replaces isoleucine 19 with phenylalanine.
Molecular consequence: missense variant.
Genome position (GRCh38, 1-based): chr7:150,977,859, T>A on the plus strand (A>T on the coding strand, the complement: KCNH2 is on the minus strand). VCF-style: chr7-150977859-T-A. GRCh37 (hg19) VCF-style: chr7-150674947-T-A.
Other names: c.55A>T, p.Ile19Phe (NM_172056.3); short protein forms I19F.
Identifiers: ClinVar variation 527023 (VCV000527023.10), dbSNP rs1554431444, ClinGen allele CA369866667.
Genomic context (GRCh38, chr7:150,977,859, plus strand): 5'-CCAGAGCCCCCTCCCCGCTCAGCCCCCTCCCCCACTCACTCTGGCCCTCAAACTTGCGGA[T>A]GATGGTGTCCAGGAAGGTGTTCTGCGGCGCGACGTGGCCCCTCCGCACCGGCATCCTGAG-3'
Protein context (NP_000229.1, residues 9-29): APQNTFLDTI[Ile19Phe]RKFEGQSRKF

ClinVar aggregate classification (germline): Uncertain significance (1 of 4 stars; one submission).

Conditions:
Long QT syndrome (LQTS). Identifiers: MedGen C0023976, MeSH D008133, MONDO:0002442. Disease mechanism: loss of function. Inheritance: Various modes of inheritance.

Submission:

Labcorp Genetics (formerly Invitae), Labcorp
Classification: Uncertain significance for Long QT syndrome. Last evaluated: 2024-06-02. Review status: criteria provided, single submitter. Criteria: Invitae Variant Classification Sherloc (09022015). Collection method: clinical testing. Allele origin: germline.
Comment: This sequence change replaces isoleucine, which is neutral and non-polar, with phenylalanine, which is neutral and non-polar, at codon 19 of the KCNH2 protein (p.Ile19Phe). This variant is not present in population databases (gnomAD no frequency). This missense change has been observed in individual(s) with long QT syndrome (Invitae). It has also been observed to segregate with disease in related individuals. ClinVar contains an entry for this variant (Variation ID: 527023). An algorithm developed to predict the effect of missense changes on protein structure and function (PolyPhen-2) suggests that this variant is likely to be tolerated. In summary, the available evidence is currently insufficient to determine the role of this variant in disease. Therefore, it has been classified as a Variant of Uncertain Significance.